The following is an entry in ClinVar:

ClinVar aggregate classification (germline): Uncertain significance. Review status: criteria provided, multiple submitters, no conflicts (2 of 4 stars). 3 submissions from 3 submitters: Uncertain significance (3). Last evaluated 2023-10-14.

Conditions:
Inborn genetic diseases. Identifiers: MedGen C0950123, MeSH D030342.
Bardet-Biedl syndrome (BBS). Identifiers: Orphanet 110, MedGen C0752166, MONDO:0015229.

Allele frequency attached by ClinVar (database versions not stated): gnomAD exomes 0.00001.
gnomAD v4.1: 16 of 1,613,774 alleles (0.00099%); highest among the groups gnomAD compares: African/African-American, 0.0013%; no homozygotes.

Submissions (3):

Ambry Genetics
Classification: Uncertain significance for Inborn genetic diseases. Last evaluated: 2023-10-14. Review status: criteria provided, single submitter. Criteria: Ambry Variant Classification Scheme 2023. Collection method: clinical testing. Allele origin: germline.

Labcorp Genetics (formerly Invitae), Labcorp
Classification: Uncertain significance for Bardet-Biedl syndrome. Last evaluated: 2022-07-06. Review status: criteria provided, single submitter. Criteria: Invitae Variant Classification Sherloc (09022015). Collection method: clinical testing. Allele origin: germline.
Comment: This sequence change replaces glutamic acid, which is acidic and polar, with glutamine, which is neutral and polar, at codon 355 of the BBS4 protein (p.Glu355Gln). The frequency data for this variant in the population databases is considered unreliable, as metrics indicate poor data quality at this position in the gnomAD database. This variant has not been reported in the literature in individuals affected with BBS4-related conditions. ClinVar contains an entry for this variant (Variation ID: 1000124). Algorithms developed to predict the effect of missense changes on protein structure and function are either unavailable or do not agree on the potential impact of this missense change (SIFT: "Deleterious"; PolyPhen-2: "Benign"; Align-GVGD: "Class C0"). In summary, the available evidence is currently insufficient to determine the role of this variant in disease. Therefore, it has been classified as a Variant of Uncertain Significance.

Genetic Services Laboratory, University of Chicago
Classification: Uncertain significance. Last evaluated: 2017-12-13. Review status: criteria provided, single submitter. Criteria: ACMG Guidelines, 2015. Collection method: clinical testing. Allele origin: germline. Affected: no.

NM_033028.5(BBS4):c.1063G>C (p.Glu355Gln)

Gene: BBS4 (Bardet-Biedl syndrome 4; plus strand). Cytogenetic location: 15q24.1.
Variant type: single nucleotide variant.
Coding change: c.1063G>C on transcript NM_033028.5 (MANE Select); coding-DNA position 1063, G replaced by C.
Protein change: p.Glu355Gln; replaces glutamic acid 355 with glutamine.
Molecular consequence: missense variant. On other transcripts: non-coding transcript variant (2).
Genome position (GRCh38, 1-based): chr15:72,735,139, G>C. VCF-style: chr15-72735139-G-C. GRCh37 (hg19) VCF-style: chr15-73027480-G-C.
Other names: c.1063G>C (NM_033028.3); c.547G>C, p.Glu183Gln (NM_001252678.2); c.994G>C, p.Glu332Gln (NM_001320665.2); short protein forms E183Q, E332Q, E355Q.
Identifiers: ClinVar variation 1000124 (VCV001000124.10), dbSNP rs1478448702, ClinGen allele CA393079611.